The following is an entry in ClinVar:

NM_182961.4(SYNE1):c.581+80C>T

Gene: SYNE1 (spectrin repeat containing nuclear envelope protein 1; minus strand). Cytogenetic location: 6q25.2.
Variant type: single nucleotide variant.
Coding change: c.581+80C>T on transcript NM_182961.4 (MANE Select); 80 bases into the intron after coding-DNA position 581, C replaced by T.
Molecular consequence: intron variant.
Genome position (GRCh38, 1-based): chr6:152,510,113, G>A on the plus strand (C>T on the coding strand, the complement: SYNE1 is on the minus strand). VCF-style: chr6-152510113-G-A. GRCh37 (hg19) VCF-style: chr6-152831248-G-A.
Other names: c.602+80C>T (NM_033071.5).
Identifiers: ClinVar variation 673107 (VCV000673107.1), dbSNP rs17842543, ClinGen allele CA150242779.

ClinVar aggregate classification (germline): Benign (1 of 4 stars; one submission).

Allele frequency attached by ClinVar (database versions not stated): 1000 Genomes Project 0.06669; 1000 Genomes Project 30x 0.07011; gnomAD 0.07884 and 0.08156; TOPMed 0.08016.
gnomAD v4.1: 86,422 of 1,369,412 alleles (6.3%); highest among the groups gnomAD compares: African/African-American, 12%; 3,153 homozygotes.

Submission:

GeneDx
Classification: Benign. Last evaluated: 2018-06-14. Review status: criteria provided, single submitter. Criteria: GeneDx Variant Classification (06012015). Collection method: clinical testing. Allele origin: germline. Affected: yes.
Comment: This variant is considered likely benign or benign based on one or more of the following criteria: it is a conservative change, it occurs at a poorly conserved position in the protein, it is predicted to be benign by multiple in silico algorithms, and/or has population frequency not consistent with disease.